The following is an entry in ClinVar:

ClinVar aggregate classification (germline): Uncertain significance. Review status: criteria provided, multiple submitters, no conflicts (2 of 4 stars). 3 submissions from 2 submitters: Uncertain significance (3). Last evaluated 2019-04-10.

Conditions:
Maturity-onset diabetes of the young (MODY). Also called: Maturity onset diabetes mellitus in young. Identifiers: Orphanet 552, MedGen C0342276, MONDO:0018911, HP:0004904.
Inborn genetic diseases. Identifiers: MedGen C0950123, MeSH D030342.
Transitory neonatal diabetes mellitus. Also called: Transient neonatal diabetes mellitus. Identifiers: MedGen C0342273, MONDO:0020525, HP:0008255.

Submissions (3):

Ambry Genetics
Classification: Uncertain significance for Inborn genetic diseases. Last evaluated: 2019-04-10. Review status: criteria provided, single submitter. Criteria: Ambry exome assertion method (8-5-2015). Collection method: clinical testing. Allele origin: germline. Affected: yes. Observed: 1 variant allele.

Clinical Genomics, Uppaluri K&H Personalized Medicine Clinic
Classification: Uncertain significance for Maturity-onset diabetes of the young. Review status: criteria provided, single submitter. Criteria: K & H Uppaluri Personalized Medicine Clinic Variant Classification & Assertion Criteria_Updated V.1. Collection method: research. Allele origin: somatic. Inheritance: Somatic mutation.
Comment: Mutations in ABCC8 gene are associated with both neonatal diabetes mellitus as well as MODY. Patients with this mutation may have a better response to sulfonylureas. However, no sufficient evidence is found to ascertain the role of this particular variant (rs1953962707) in MODY yet.

Clinical Genomics, Uppaluri K&H Personalized Medicine Clinic
Classification: Uncertain significance for Transitory neonatal diabetes mellitus. Review status: criteria provided, single submitter. Criteria: K & H Uppaluri Personalized Medicine Clinic Variant Classification & Assertion Criteria_Updated V.1. Collection method: research. Allele origin: somatic. Inheritance: Somatic mutation.
Comment: Mutations in ABCC8 gene are associated with both neonatal diabetes mellitus as well as MODY. Patients with this mutation may have a better response to sulfonylureas. However, no sufficient evidence is found to ascertain the role of this particular variant (rs1953962707) in neonatal diabetes yet.

Literature cited by the submitters: PubMed 10204114 (cited by Ambry Genetics); PubMed 16885549 (cited by Clinical Genomics, Uppaluri K&H Personalized Medicine Clinic); PubMed 21989597 (cited by Clinical Genomics, Uppaluri K&H Personalized Medicine Clinic); PubMed 27538677 (cited by Clinical Genomics, Uppaluri K&H Personalized Medicine Clinic); PubMed 18981553 (cited by Clinical Genomics, Uppaluri K&H Personalized Medicine Clinic); PubMed 32027066 (cited by Clinical Genomics, Uppaluri K&H Personalized Medicine Clinic); PubMed 16613899 (cited by Clinical Genomics, Uppaluri K&H Personalized Medicine Clinic); PubMed 18025408 (cited by Clinical Genomics, Uppaluri K&H Personalized Medicine Clinic); PubMed 32792356 (cited by Clinical Genomics, Uppaluri K&H Personalized Medicine Clinic).

NM_000352.6(ABCC8):c.4078G>A (p.Val1360Met)

Gene: ABCC8 (ATP binding cassette subfamily C member 8; minus strand). Cytogenetic location: 11p15.1.
Variant type: single nucleotide variant.
Coding change: c.4078G>A on transcript NM_000352.6 (MANE Select); coding-DNA position 4078, G replaced by A.
Protein change: p.Val1360Met; replaces valine 1360 with methionine.
Molecular consequence: missense variant. On other transcripts: non-coding transcript variant (1).
Genome position (GRCh38, 1-based): chr11:17,396,957, C>T on the plus strand (G>A on the coding strand, the complement: ABCC8 is on the minus strand). VCF-style: chr11-17396957-C-T. GRCh37 (hg19) VCF-style: chr11-17418504-C-T.
Other names: c.4081G>A, p.Val1361Met (NM_001287174.3); c.4144G>A, p.Val1382Met (NM_001351295.2); c.4078G>A, p.Val1360Met (NM_001351296.2); c.4075G>A, p.Val1359Met (NM_001351297.2); short protein forms V1359M, V1360M, V1361M, V1382M.
Identifiers: ClinVar variation 985349 (VCV000985349.4), dbSNP rs1953962707, ClinGen allele CA379790474.